The following is an entry in ClinVar:

ClinVar aggregate classification (germline): Uncertain significance (1 of 4 stars; one submission).

Allele frequency attached by ClinVar (database versions not stated): gnomAD exomes below 0.00001.
gnomAD v4.1: 1 of 1,613,942 alleles (0.000062%); highest among the groups gnomAD compares: South Asian, 0.0011%; no homozygotes.

Submission:

Labcorp Genetics (formerly Invitae), Labcorp
Classification: Uncertain significance. Last evaluated: 2022-03-10. Review status: criteria provided, single submitter. Criteria: Invitae Variant Classification Sherloc (09022015). Collection method: clinical testing. Allele origin: germline.
Comment: In summary, the available evidence is currently insufficient to determine the role of this variant in disease. Therefore, it has been classified as a Variant of Uncertain Significance. Algorithms developed to predict the effect of missense changes on protein structure and function (SIFT, PolyPhen-2, Align-GVGD) all suggest that this variant is likely to be tolerated. ClinVar contains an entry for this variant (Variation ID: 1001601). This variant has not been reported in the literature in individuals affected with USH1C-related conditions. This variant is present in population databases (no rsID available, gnomAD 0.003%). This sequence change replaces isoleucine, which is neutral and non-polar, with valine, which is neutral and non-polar, at codon 50 of the USH1C protein (p.Ile50Val).

NM_153676.4(USH1C):c.148A>G (p.Ile50Val)

Gene: USH1C (USH1 protein network component harmonin; minus strand). Cytogenetic location: 11p15.1.
Variant type: single nucleotide variant.
Coding change: c.148A>G on transcript NM_153676.4 (MANE Select); coding-DNA position 148, A replaced by G.
Protein change: p.Ile50Val; replaces isoleucine 50 with valine.
Molecular consequence: missense variant. On other transcripts: non-coding transcript variant (1).
Genome position (GRCh38, 1-based): chr11:17,531,499, T>C on the plus strand (A>G on the coding strand, the complement: USH1C is on the minus strand). VCF-style: chr11-17531499-T-C. GRCh37 (hg19) VCF-style: chr11-17553046-T-C.
Other names: c.148A>G, p.Ile50Val (NM_001297764.2, NM_005709.4); short protein forms I50V.
Identifiers: ClinVar variation 1001601 (VCV001001601.8), dbSNP rs1257461261, ClinGen allele CA379798484.